The following is an entry in ClinVar:

NM_020435.4(GJC2):c.448C>G (p.Leu150Val)

Gene: GJC2 (gap junction protein gamma 2; plus strand). Cytogenetic location: 1q42.13.
Variant type: single nucleotide variant.
Coding change: c.448C>G on transcript NM_020435.4 (MANE Select); coding-DNA position 448, C replaced by G.
Protein change: p.Leu150Val; replaces leucine 150 with valine.
Molecular consequence: missense variant.
Genome position (GRCh38, 1-based): chr1:228,158,206, C>G. VCF-style: chr1-228158206-C-G. GRCh37 (hg19) VCF-style: chr1-228345907-C-G.
Other names: short protein forms L150V.
Identifiers: ClinVar variation 579443 (VCV000579443.9), dbSNP rs1558119730, ClinGen allele CA345097914.

ClinVar aggregate classification (germline): Uncertain significance. Review status: criteria provided, multiple submitters, no conflicts (2 of 4 stars). 2 submissions from 2 submitters: Uncertain significance (2). Last evaluated 2023-10-30.

Conditions:
Spastic paraplegia. Identifiers: MedGen C0037772, HP:0001258.

Allele frequency attached by ClinVar (database versions not stated): TOPMed below 0.00001; gnomAD 0.00001; gnomAD exomes 0.00001.
gnomAD v4.1: 13 of 1,482,972 alleles (0.00088%); highest among the groups gnomAD compares: Non-Finnish European, 0.0012%; no homozygotes.

Submissions (2):

Blueprint Genetics
Classification: Uncertain significance. Last evaluated: 2023-10-30. Review status: criteria provided, single submitter. Criteria: ACMG Guidelines, 2015. Collection method: clinical testing. Allele origin: germline.

Labcorp Genetics (formerly Invitae), Labcorp
Classification: Uncertain significance for Spastic paraplegia. Last evaluated: 2018-01-15. Review status: criteria provided, single submitter. Criteria: Invitae Variant Classification Sherloc (09022015). Collection method: clinical testing. Allele origin: germline.
Comment: In summary, the available evidence is currently insufficient to determine the role of this variant in disease. Therefore, it has been classified as a Variant of Uncertain Significance. Algorithms developed to predict the effect of missense changes on protein structure and function do not agree on the potential impact of this missense change (SIFT: "Deleterious"; PolyPhen-2: "Benign"; Align-GVGD: "Class C0"). This variant has not been reported in the literature in individuals with GJC2-related disease. While this variant is not present in population databases, the frequency information is unreliable, as metrics indicate poor data quality at this position in the ExAC database. This sequence change replaces leucine with valine at codon 150 of the GJC2 protein (p.Leu150Val). The leucine residue is moderately conserved and there is a small physicochemical difference between leucine and valine.